The following is an entry in ClinVar:

NM_000388.4(CASR):c.2708G>A (p.Gly903Glu)

Gene: CASR (calcium sensing receptor; plus strand). Cytogenetic location: 3q21.1.
Variant type: single nucleotide variant.
Coding change: c.2708G>A on transcript NM_000388.4 (MANE Select); coding-DNA position 2708, G replaced by A.
Protein change: p.Gly903Glu; replaces glycine 903 with glutamic acid.
Molecular consequence: missense variant.
Genome position (GRCh38, 1-based): chr3:122,284,662, G>A. VCF-style: chr3-122284662-G-A. GRCh37 (hg19) VCF-style: chr3-122003509-G-A.
Other names: c.2738G>A, p.Gly913Glu (NM_001178065.2); short protein forms G903E, G913E.
Identifiers: ClinVar variation 3231551 (VCV003231551.1), dbSNP rs1289794304, ClinGen allele CA354160600.

ClinVar aggregate classification (germline): Uncertain significance (1 of 4 stars; one submission).

Conditions:
Nephrolithiasis/nephrocalcinosis. Identifiers: MedGen CN580796.

gnomAD v4.1: 2 of 1,613,748 alleles (0.00012%); highest among the groups gnomAD compares: South Asian, 0.0022%; no homozygotes.

Submission:

Ambry Genetics
Classification: Uncertain significance for Nephrolithiasis/nephrocalcinosis. Last evaluated: 2024-01-09. Review status: criteria provided, single submitter. Criteria: Ambry Variant Classification Scheme 2023. Collection method: clinical testing. Allele origin: germline.
Comment: The p.G903E variant (also known as c.2708G>A), located in coding exon 6 of the CASR gene, results from a G to A substitution at nucleotide position 2708. The glycine at codon 903 is replaced by glutamic acid, an amino acid with similar properties. This amino acid position is conserved. In addition, this alteration is predicted to be deleterious by in silico analysis. Since supporting evidence is limited at this time, the clinical significance of this alteration remains unclear.